The following is an entry in ClinVar:

ClinVar aggregate classification (germline): Uncertain significance (1 of 4 stars; one submission).

Conditions:
Cardiovascular phenotype. Identifiers: MedGen CN230736.

Allele frequency attached by ClinVar (database versions not stated): ExAC 0.00001; gnomAD 0.00001; TOPMed 0.00001.

Submission:

Ambry Genetics
Classification: Uncertain significance for Cardiovascular phenotype. Last evaluated: 2022-08-10. Review status: criteria provided, single submitter. Criteria: Ambry Variant Classification Scheme 2023. Collection method: clinical testing. Allele origin: germline.
Comment: The c.1473G>A variant (also known as p.E491E), located in coding exon 10 of the NEXN gene. This variant results from a G to A substitution at nucleotide position 1473. This nucleotide substitution does not change the glutamic acid at codon 491. However, this change occurs in the last base pair of coding exon 10, which makes it likely to have some effect on normal mRNA splicing. This nucleotide position is highly conserved in available vertebrate species. In silico splice site analysis predicts that this alteration may weaken the native splice donor site. Since supporting evidence is limited at this time, the clinical significance of this alteration remains unclear.

NM_144573.4(NEXN):c.1473G>A (p.Glu491=)

Gene: NEXN (nexilin F-actin binding protein; plus strand). Cytogenetic location: 1p31.1.
Variant type: single nucleotide variant.
Coding change: c.1473G>A on transcript NM_144573.4 (MANE Select); coding-DNA position 1473, G replaced by A.
Protein change: p.Glu491=; no amino-acid change (glutamic acid 491 retained).
Molecular consequence: synonymous variant.
Genome position (GRCh38, 1-based): chr1:77,936,044, G>A. VCF-style: chr1-77936044-G-A. GRCh37 (hg19) VCF-style: chr1-78401729-G-A.
Other names: c.1281G>A, p.Glu427= (NM_001172309.2).
Identifiers: ClinVar variation 1773408 (VCV001773408.2), dbSNP rs777702027, ClinGen allele CA918883.